The following is an entry in ClinVar:

ClinVar aggregate classification (germline): Conflicting classifications of pathogenicity. Review status: criteria provided, conflicting classifications (1 of 4 stars). 3 submissions from 3 submitters: Uncertain significance (2); Benign (1). Last evaluated 2025-12-09.

Allele frequency attached by ClinVar (database versions not stated): gnomAD exomes below 0.00001; TOPMed below 0.00001; ExAC 0.00001.
gnomAD v4.1: 6 of 1,614,148 alleles (0.00037%); highest among the groups gnomAD compares: Non-Finnish European, 0.00034%; no homozygotes.

Submissions (3):

Women's Health and Genetics/Laboratory Corporation of America, LabCorp
Classification: Uncertain significance. Last evaluated: 2025-12-09. Review status: criteria provided, single submitter. Criteria: LabCorp Variant Classification Summary - May 2015. Collection method: clinical testing. Allele origin: germline.
Comment: Variant summary: KCNH1 c.2695A>G (p.Ser899Gly) results in a non-conservative amino acid change in the encoded protein sequence. Algorithms developed to predict the effect of missense changes on protein structure and function all suggest that this variant is likely to be disruptive. The variant allele was found at a frequency of 4e-06 in 251434 control chromosomes. The available data on variant occurrences in the general population are insufficient to allow any conclusion about variant significance. To our knowledge, no occurrence of c.2695A>G in individuals affected with KCNH1-related conditions and no experimental evidence demonstrating its impact on protein function have been reported. ClinVar contains an entry for this variant (Variation ID: 2694086). Based on the evidence outlined above, the variant was classified as uncertain significance.

Labcorp Genetics (formerly Invitae), Labcorp
Classification: Benign. Last evaluated: 2025-05-26. Review status: criteria provided, single submitter. Criteria: Invitae Variant Classification Sherloc (09022015). Collection method: clinical testing. Allele origin: germline.

Blueprint Genetics
Classification: Uncertain significance. Last evaluated: 2024-10-30. Review status: criteria provided, single submitter. Criteria: ACMG Guidelines, 2015. Collection method: clinical testing. Allele origin: germline.

NM_172362.3(KCNH1):c.2695A>G (p.Ser899Gly)

Gene: KCNH1 (potassium voltage-gated channel subfamily H member 1; minus strand). Cytogenetic location: 1q32.2.
Variant type: single nucleotide variant.
Coding change: c.2695A>G on transcript NM_172362.3 (MANE Select); coding-DNA position 2695, A replaced by G.
Protein change: p.Ser899Gly; replaces serine 899 with glycine.
Molecular consequence: missense variant.
Genome position (GRCh38, 1-based): chr1:210,683,556, T>C on the plus strand (A>G on the coding strand, the complement: KCNH1 is on the minus strand). VCF-style: chr1-210683556-T-C. GRCh37 (hg19) VCF-style: chr1-210856898-T-C.
Other names: c.2614A>G, p.Ser872Gly (NM_002238.4); short protein forms S899G, S872G.
Identifiers: ClinVar variation 2694086 (VCV002694086.5), dbSNP rs752044489, ClinGen allele CA1379605.
Genomic context (GRCh38, chr1:210,683,556, plus strand): 5'-CAGGGATGGGGTAGAACGAATGCTTGACCTCTGCCAGGATGGGACTCCGATCCTGGGGAC[T>C]CCTGGCCTCACCCACGTTGTCCAGGCGCAAGTCGCTCTTGGTGATGCCACTGTCACACGA-3'
Protein context (NP_758872.1, residues 889-909): LRLDNVGEAR[Ser899Gly]PQDRSPILAE